The following is an entry in ClinVar:

NM_004329.3(BMPR1A):c.897del (p.Gly300fs)

Gene: BMPR1A (bone morphogenetic protein receptor type 1A; plus strand). Cytogenetic location: 10q23.2.
Variant type: Deletion.
Coding change: c.897del on transcript NM_004329.3 (MANE Select); coding-DNA position 897, one base deleted (A; older notation c.897delA).
Protein change: p.Gly300fs; shifts the reading frame from glycine 300.
Molecular consequence: frameshift variant. On other transcripts: non-coding transcript variant (3).
Genome position (GRCh38, 1-based): chr10:86,919,200, A deleted. VCF-style (leftmost placement, unchanged base first): chr10-86919199-CA-C. GRCh37 (hg19) VCF-style: chr10-88678956-CA-C.
Other names: c.972del, p.Gly325fs (NM_001406559.1); c.945del, p.Gly316fs (NM_001406560.1); c.897del, p.Gly300fs (NM_001406561.1, NM_001406562.1, NM_001406563.1 and 19 more transcripts); c.891del, p.Gly298fs (NM_001406583.1); c.813del, p.Gly272fs (NM_001406584.1, NM_001406585.1, NM_001406586.1 and 2 more transcripts); c.555del, p.Gly186fs (NM_001406589.1); short protein forms G186fs, G272fs, G298fs, G300fs, G316fs, G325fs.
Identifiers: ClinVar variation 4813455 (VCV004813455.1).

ClinVar aggregate classification (germline): Likely pathogenic (1 of 4 stars; one submission).

Conditions:
Juvenile polyposis syndrome (JPS). Identifiers: Orphanet 2929, MedGen C0345893, MONDO:0017380, OMIM 174900.

Submission:

MVZ Praenatalmedizin und Genetik Nuernberg
Classification: Likely pathogenic for Juvenile polyposis syndrome. Last evaluated: 2025-12-19. Review status: criteria provided, single submitter. Criteria: ACMG Guidelines, 2015. Collection method: clinical testing. Allele origin: germline.
Comment: This variant leads to a shift in the reading frame in exon 10 and to a premature stop codon. The variant has not yet been recorded in the population-based database gnomAD (v.2, v.4) or the ClinVar database. A literature search did not yield any additional information. A similar variant (NM_004329.3(BMPR1A):c.897_1029del (p.(Gly300fs)); Accession: VCV000951998.7) has been classified as pathogenic by a submitter in the ClinVar database. Accordingly, loss-of-function also appears to be the pathomechanism according to the ClinGen and Gene2Phenotype databases. In summary, based on the current data, we assess this to be a likely pathogenic variant.